The following is an entry in ClinVar:

NM_003998.4(NFKB1):c.1450C>G (p.Leu484Val)

Gene: NFKB1 (nuclear factor kappa B subunit 1; plus strand). Cytogenetic location: 4q24.
Variant type: single nucleotide variant.
Coding change: c.1450C>G on transcript NM_003998.4 (MANE Select); coding-DNA position 1450, C replaced by G.
Protein change: p.Leu484Val; replaces leucine 484 with valine.
Molecular consequence: missense variant.
Genome position (GRCh38, 1-based): chr4:102,596,287, C>G. VCF-style: chr4-102596287-C-G. GRCh37 (hg19) VCF-style: chr4-103517444-C-G.
Other names: c.1447C>G, p.Leu483Val (NM_001165412.2, NM_001319226.2, NM_001382627.1); c.1450C>G, p.Leu484Val (NM_001382625.1, NM_001382626.1); c.1408C>G, p.Leu470Val (NM_001382628.1); c.1450C>G (NM_003998.3); short protein forms L484V, L470V, L483V.
Identifiers: ClinVar variation 1935392 (VCV001935392.6), dbSNP rs2476497646, ClinGen allele CA357751127.
Genomic context (GRCh38, chr4:102,596,287, plus strand): 5'-GAAACCACAGAGCAAGATCAGGAGCCCAGCGAGGCCACCGTTGGGAATGGTGAGGTCACT[C>G]TAACGTATGCAACAGGAACAAAAGAAGAGAGTGCTGGAGTTCAGGGTAAGTGAGCACACA-3'
Protein context (NP_003989.2, residues 474-494): EATVGNGEVT[Leu484Val]TYATGTKEES

ClinVar aggregate classification (germline): Uncertain significance. Review status: criteria provided, multiple submitters, no conflicts (2 of 4 stars). 2 submissions from 2 submitters: Uncertain significance (2). Last evaluated 2025-04-25.

Conditions:
Inborn genetic diseases. Identifiers: MedGen C0950123, MeSH D030342.

Allele frequency attached by ClinVar (database versions not stated): gnomAD exomes below 0.00001.
gnomAD v4.1: 3 of 1,612,836 alleles (0.00019%); highest among the groups gnomAD compares: South Asian, 0.0011%; no homozygotes.

Submissions (2):

Ambry Genetics
Classification: Uncertain significance for Inborn genetic diseases. Last evaluated: 2025-04-25. Review status: criteria provided, single submitter. Criteria: Ambry Variant Classification Scheme 2023. Collection method: clinical testing. Allele origin: germline.

Labcorp Genetics (formerly Invitae), Labcorp
Classification: Uncertain significance. Last evaluated: 2024-02-12. Review status: criteria provided, single submitter. Criteria: Invitae Variant Classification Sherloc (09022015). Collection method: clinical testing. Allele origin: germline.
Comment: This sequence change replaces leucine, which is neutral and non-polar, with valine, which is neutral and non-polar, at codon 484 of the NFKB1 protein (p.Leu484Val). This variant is not present in population databases (gnomAD no frequency). This variant has not been reported in the literature in individuals affected with NFKB1-related conditions. ClinVar contains an entry for this variant (Variation ID: 1935392). Advanced modeling of protein sequence and biophysical properties (such as structural, functional, and spatial information, amino acid conservation, physicochemical variation, residue mobility, and thermodynamic stability) performed at Invitae indicates that this missense variant is not expected to disrupt NFKB1 protein function with a negative predictive value of 80%. In summary, the available evidence is currently insufficient to determine the role of this variant in disease. Therefore, it has been classified as a Variant of Uncertain Significance.